The following is an entry in ClinVar:

NM_000243.3(MEFV):c.214C>T (p.Gln72Ter)

Gene: MEFV (MEFV innate immunity regulator, pyrin; minus strand). Cytogenetic location: 16p13.3.
Variant type: single nucleotide variant.
Coding change: c.214C>T on transcript NM_000243.3 (MANE Select); coding-DNA position 214, C replaced by T.
Protein change: p.Gln72Ter; replaces glutamine 72 with a stop codon.
Molecular consequence: nonsense.
Genome position (GRCh38, 1-based): chr16:3,256,374, G>A on the plus strand (C>T on the coding strand, the complement: MEFV is on the minus strand). VCF-style: chr16-3256374-G-A. GRCh37 (hg19) VCF-style: chr16-3306374-G-A.
Other names: c.214C>T, p.Gln72Ter (NM_001198536.2); short protein forms Q72*.
Identifiers: ClinVar variation 971850 (VCV000971850.1), dbSNP rs1959115414, ClinGen allele CA394483698.
Genomic context (GRCh38, chr16:3,256,374, plus strand): 5'-GAATGGCTGCCCTGTGGAGCTCCTCGGCCAGCAGGCGCTGGTTGATGGCCCGCAGGACCT[G>A]CAGGGTGAGCTGCACGGCGTACTCTTCCCCATAGTAGGTGACCAGCAGAGTGGCCATCTT-3'

ClinVar aggregate classification (germline): Pathogenic (1 of 4 stars; one submission).

Conditions:
Familial Mediterranean fever (FMF). Also called: POLYSEROSITIS, FAMILIAL PAROXYSMAL; POLYSEROSITIS, RECURRENT; Periodic peritonitis; Benign paroxysmal peritonitis. Identifiers: Orphanet 342, MedGen C0031069, MONDO:0018088, OMIM 249100. Disease mechanism: gain of function.

Submission:

Labcorp Genetics (formerly Invitae), Labcorp
Classification: Pathogenic for Familial Mediterranean fever. Last evaluated: 2019-05-17. Review status: criteria provided, single submitter. Criteria: Invitae Variant Classification Sherloc (09022015). Collection method: clinical testing. Allele origin: germline.
Comment: This sequence change creates a premature translational stop signal (p.Gln72*) in the MEFV gene. It is expected to result in an absent or disrupted protein product. This variant is not present in population databases (ExAC no frequency). This variant has not been reported in the literature in individuals with MEFV-related conditions. Algorithms developed to predict the effect of sequence changes on RNA splicing suggest that this variant may create or strengthen a splice site, but this prediction has not been confirmed by published transcriptional studies. Loss-of-function variants in MEFV are known to be pathogenic (PMID: 23226472, 24469716, 28690860). For these reasons, this variant has been classified as Pathogenic.